The following is an entry in ClinVar:

ClinVar aggregate classification (germline): Uncertain significance (1 of 4 stars; one submission).

Submission:

Labcorp Genetics (formerly Invitae), Labcorp
Classification: Uncertain significance. Last evaluated: 2023-01-30. Review status: criteria provided, single submitter. Criteria: Invitae Variant Classification Sherloc (09022015). Collection method: clinical testing. Allele origin: germline.
Comment: In summary, the available evidence is currently insufficient to determine the role of this variant in disease. Therefore, it has been classified as a Variant of Uncertain Significance. Algorithms developed to predict the effect of sequence changes on RNA splicing suggest that this variant is not likely to affect RNA splicing. This variant has not been reported in the literature in individuals affected with CLTC-related conditions. This variant is not present in population databases (gnomAD no frequency). This sequence change affects codon 858 of the CLTC mRNA. It is a 'silent' change, meaning that it does not change the encoded amino acid sequence of the CLTC protein. It affects a nucleotide within the consensus splice site.

NM_004859.4(CLTC):c.2562A>G (p.Arg854=)

Gene: CLTC (clathrin heavy chain; plus strand). Cytogenetic location: 17q23.1.
Variant type: single nucleotide variant.
Coding change: c.2562A>G on transcript NM_004859.4 (MANE Select); coding-DNA position 2562, A replaced by G.
Protein change: p.Arg854=; no amino-acid change (arginine 854 retained).
Molecular consequence: synonymous variant.
Genome position (GRCh38, 1-based): chr17:59,676,954, A>G. VCF-style: chr17-59676954-A-G. GRCh37 (hg19) VCF-style: chr17-57754315-A-G.
Other names: c.2574A>G, p.Arg858= (NM_001288653.2).
Identifiers: ClinVar variation 2833043 (VCV002833043.3), dbSNP rs2509144186, ClinGen allele CA501090496.